The following is an entry in ClinVar:

NM_001199799.2(ILDR1):c.170T>A (p.Val57Glu)

Gene: ILDR1 (immunoglobulin like domain containing receptor 1; minus strand). Cytogenetic location: 3q13.33.
Variant type: single nucleotide variant.
Coding change: c.170T>A on transcript NM_001199799.2 (MANE Select); coding-DNA position 170, T replaced by A.
Protein change: p.Val57Glu; replaces valine 57 with glutamic acid.
Molecular consequence: missense variant.
Genome position (GRCh38, 1-based): chr3:122,007,050, A>T on the plus strand (T>A on the coding strand, the complement: ILDR1 is on the minus strand). VCF-style: chr3-122007050-A-T. GRCh37 (hg19) VCF-style: chr3-121725897-A-T.
Other names: c.170T>A, p.Val57Glu (NM_001199800.2, NM_175924.4); c.170T>A (NM_001199799.1); short protein forms V57E.
Identifiers: ClinVar variation 1048894 (VCV001048894.4), dbSNP rs375914346, ClinGen allele CA2569029.

ClinVar aggregate classification (germline): Conflicting classifications of pathogenicity. Review status: criteria provided, conflicting classifications (1 of 4 stars). 4 submissions from 4 submitters: Likely pathogenic (1); Uncertain significance (2). 1 of the submissions does not count toward it. Last evaluated 2025-05-05.

Conditions:
Inborn genetic diseases. Identifiers: MedGen C0950123, MeSH D030342.
ILDR1-related disorders.

Allele frequency attached by ClinVar (database versions not stated): TOPMed 0.00001; gnomAD 0.00003; gnomAD exomes 0.00004 and 0.00009; ESP Exome Variant Server 0.00008; ExAC 0.00012.
gnomAD v4.1: 60 of 1,613,896 alleles (0.0037%); highest among the groups gnomAD compares: Non-Finnish European, 0.0049%; no homozygotes.

Submissions (4):

Ambry Genetics
Classification: Uncertain significance for Inborn genetic diseases. Last evaluated: 2025-05-05. Review status: criteria provided, single submitter. Criteria: Ambry Variant Classification Scheme 2023. Collection method: clinical testing. Allele origin: germline.

GeneDx
Classification: Uncertain significance. Last evaluated: 2024-12-30. Review status: criteria provided, single submitter. Criteria: GeneDx Variant Classification Process June 2021. Collection method: clinical testing. Allele origin: germline. Affected: yes.
Comment: In silico analysis supports that this missense variant has a deleterious effect on protein structure/function; Has not been previously published as pathogenic or benign to our knowledge

Blueprint Genetics
Classification: Likely pathogenic for ILDR1-related disorders. Last evaluated: 2024-09-18. Review status: criteria provided, single submitter. Criteria: ACMG Guidelines, 2015. Collection method: clinical testing. Allele origin: germline. Affected: yes. Observed: 5 variant alleles.

Department of Pathology and Laboratory Medicine, Sinai Health System
Classification: Uncertain significance. Review status: no assertion criteria provided. Collection method: clinical testing. Allele origin: unknown. Affected: yes. Study: The Canadian Open Genetics Repository (COGR). Not counted in ClinVar's aggregate classification.
Comment: The ILDR1 p.Val57Glu variant was not identified in the literature nor was it identified in ClinVar. The variant was identified in dbSNP (ID: rs375914346) and in control databases in 24 of 282840 chromosomes at a frequency of 0.00008485 (Genome Aggregation Database March 6, 2019, v2.1.1). The variant was observed in the following populations: European (non-Finnish) in 22 of 129176 chromosomes (freq: 0.00017), Other in 1 of 7224 chromosomes (freq: 0.000138) and European (Finnish) in 1 of 25116 chromosomes (freq: 0.00004), but was not observed in the African, Latino, Ashkenazi Jewish, East Asian, or South Asian populations. The p.Val57 residue is conserved in mammals but not in more distantly related organisms, and four out of five computational analyses (PolyPhen-2, SIFT, AlignGVGD, BLOSUM, MutationTaster) suggest that the variant may impact the protein; however, this information is not predictive enough to assume pathogenicity. The variant occurs outside of the splicing consensus sequence and 3 of 4 in silico or computational prediction software programs (SpliceSiteFinder, MaxEntScan, NNSPLICE, GeneSplicer) predict a greater than 10% difference in splicing. However, this has not been confirmed by RNA analysis and is not predictive enough to assume pathogenicity. In summary, based on the above information the clinical significance of this variant cannot be determined with certainty at this time. This variant is classified as a variant of uncertain significance.